The following is an entry in ClinVar:

NM_002528.7(NTHL1):c.326A>G (p.His109Arg)

Gene: NTHL1 (nth like DNA glycosylase 1; minus strand). Cytogenetic location: 16p13.3.
Variant type: single nucleotide variant.
Coding change: c.326A>G on transcript NM_002528.7 (MANE Select); coding-DNA position 326, A replaced by G.
Protein change: p.His109Arg; replaces histidine 109 with arginine.
Molecular consequence: missense variant. On other transcripts: intron variant (1).
Genome position (GRCh38, 1-based): chr16:2,046,156, T>C on the plus strand (A>G on the coding strand, the complement: NTHL1 is on the minus strand). VCF-style: chr16-2046156-T-C. GRCh37 (hg19) VCF-style: chr16-2096157-T-C.
Other names: c.350A>G (NM_002528.5); c.326A>G, p.His109Arg (NM_001318193.2); c.24+124A>G (NM_001318194.2); short protein forms H109R.
Identifiers: ClinVar variation 850472 (VCV000850472.9), dbSNP rs2084364362, ClinGen allele CA394295240.

ClinVar aggregate classification (germline): Uncertain significance. Review status: criteria provided, multiple submitters, no conflicts (2 of 4 stars). 2 submissions from 2 submitters: Uncertain significance (2). Last evaluated 2025-08-03.

Conditions:
Hereditary cancer-predisposing syndrome. Also called: Tumor predisposition; Neoplastic Syndromes, Hereditary; Hereditary neoplastic syndrome; Hereditary Cancer Syndrome. Identifiers: Orphanet 140162, MedGen C0027672, MeSH D009386, MONDO:0015356.

Allele frequency attached by ClinVar (database versions not stated): gnomAD exomes below 0.00001.
gnomAD v4.1: 1 of 1,613,120 alleles (0.000062%); highest among the groups gnomAD compares: Non-Finnish European, 0.000085%; no homozygotes.

Submissions (2):

Ambry Genetics
Classification: Uncertain significance for Hereditary cancer-predisposing syndrome. Last evaluated: 2025-08-03. Review status: criteria provided, single submitter. Criteria: Ambry Variant Classification Scheme 2023. Collection method: clinical testing. Allele origin: germline.
Comment: The p.H117R variant (also known as c.350A>G), located in coding exon 2 of the NTHL1 gene, results from an A to G substitution at nucleotide position 350. The histidine at codon 117 is replaced by arginine, an amino acid with highly similar properties. This amino acid position is conserved. In addition, this alteration is predicted to be tolerated by in silico analysis. Based on the available evidence, the clinical significance of this variant remains unclear.

Labcorp Genetics (formerly Invitae), Labcorp
Classification: Uncertain significance. Last evaluated: 2019-12-26. Review status: criteria provided, single submitter. Criteria: Invitae Variant Classification Sherloc (09022015). Collection method: clinical testing. Allele origin: germline.
Comment: In summary, the available evidence is currently insufficient to determine the role of this variant in disease. Therefore, it has been classified as a Variant of Uncertain Significance. Algorithms developed to predict the effect of missense changes on protein structure and function are either unavailable or do not agree on the potential impact of this missense change (SIFT: "Not Available"; PolyPhen-2: "Benign"; Align-GVGD: "Not Available"). This variant has not been reported in the literature in individuals with NTHL1-related conditions. This variant is not present in population databases (ExAC no frequency). This sequence change replaces histidine with arginine at codon 117 of the NTHL1 protein (p.His117Arg). The histidine residue is weakly conserved and there is a small physicochemical difference between histidine and arginine.